The following is an entry in ClinVar:

NM_000135.4(FANCA):c.3723C>A (p.Asn1241Lys)

Gene: FANCA (FA complementation group A; minus strand). Cytogenetic location: 16q24.3.
Variant type: single nucleotide variant.
Coding change: c.3723C>A on transcript NM_000135.4 (MANE Select); coding-DNA position 3723, C replaced by A.
Protein change: p.Asn1241Lys; replaces asparagine 1241 with lysine.
Molecular consequence: missense variant.
Genome position (GRCh38, 1-based): chr16:89,742,842, G>T on the plus strand (C>A on the coding strand, the complement: FANCA is on the minus strand). VCF-style: chr16-89742842-G-T. GRCh37 (hg19) VCF-style: chr16-89809250-G-T.
Other names: c.3723C>A, p.Asn1241Lys (NM_001286167.3); short protein forms N1241K.
Identifiers: ClinVar variation 4254342 (VCV004254342.1).

ClinVar aggregate classification (germline): Uncertain significance (1 of 4 stars; one submission).

Conditions:
Inborn genetic diseases. Identifiers: MedGen C0950123, MeSH D030342.

Submission:

Ambry Genetics
Classification: Uncertain significance for Inborn genetic diseases. Last evaluated: 2025-09-10. Review status: criteria provided, single submitter. Criteria: Ambry Variant Classification Scheme 2023. Collection method: clinical testing. Allele origin: germline.
Comment: The p.N1241K variant (also known as c.3723C>A), located in coding exon 37 of the FANCA gene, results from a C to A substitution at nucleotide position 3723. The asparagine at codon 1241 is replaced by lysine, an amino acid with similar properties. This amino acid position is conserved. In addition, this alteration is predicted to be tolerated by in silico analysis. Based on the available evidence, the clinical significance of this variant remains unclear.